The following is an entry in ClinVar:

NM_000551.4(VHL):c.151G>A (p.Glu51Lys)

Gene: VHL (von Hippel-Lindau tumor suppressor; plus strand). Cytogenetic location: 3p25.3.
Variant type: single nucleotide variant.
Coding change: c.151G>A on transcript NM_000551.4 (MANE Select); coding-DNA position 151, G replaced by A.
Protein change: p.Glu51Lys; replaces glutamic acid 51 with lysine.
Molecular consequence: missense variant.
Genome position (GRCh38, 1-based): chr3:10,141,998, G>A. VCF-style: chr3-10141998-G-A. GRCh37 (hg19) VCF-style: chr3-10183682-G-A.
Other names: c.151G>A, p.Glu51Lys (NM_001354723.2, NM_198156.3); short protein forms E51K.
Identifiers: ClinVar variation 661344 (VCV000661344.15), dbSNP rs1480825246, ClinGen allele CA351748278.

ClinVar aggregate classification (germline): Uncertain significance. Review status: criteria provided, multiple submitters, no conflicts (2 of 4 stars). 5 submissions from 5 submitters: Uncertain significance (4). 1 of the submissions does not count toward it. Last evaluated 2025-12-17.

Conditions:
VHL-related disorder. Also called: VHL-related condition.
Chuvash polycythemia. Also called: POLYCYTHEMIA, VHL-DEPENDENT. Identifiers: Orphanet 238557, MedGen C1837915, MONDO:0009892, OMIM 263400.
Von Hippel-Lindau syndrome (VHLS). Also called: von Hippel–Lindau syndrome; Von Hippel-Lindau; VHL syndrome. Identifiers: Orphanet 892, MedGen C0019562, MONDO:0008667, OMIM 193300. Disease mechanism: loss of function.
Hereditary cancer-predisposing syndrome. Also called: Neoplastic Syndromes, Hereditary; Hereditary neoplastic syndrome; Tumor predisposition; Hereditary Cancer Syndrome. Identifiers: Orphanet 140162, MedGen C0027672, MeSH D009386, MONDO:0015356.

gnomAD v4.1: 4 of 1,580,702 alleles (0.00025%); highest among the groups gnomAD compares: Admixed American, 0.0018%; no homozygotes.

Submissions (5):

Ambry Genetics
Classification: Uncertain significance for Hereditary cancer-predisposing syndrome. Last evaluated: 2025-12-17. Review status: criteria provided, single submitter. Criteria: Ambry Variant Classification Scheme 2023. Collection method: clinical testing. Allele origin: germline.
Comment: The p.E51K variant (also known as c.151G>A), located in coding exon 1 of the VHL gene, results from a G to A substitution at nucleotide position 151. The glutamic acid at codon 51 is replaced by lysine, an amino acid with similar properties. This amino acid position is not well conserved in available vertebrate species. In addition, this alteration is predicted to be tolerated by in silico analysis. Since supporting evidence is limited at this time, the clinical significance of this alteration remains unclear.

Labcorp Genetics (formerly Invitae), Labcorp
Classification: Uncertain significance for Von Hippel-Lindau syndrome; Chuvash polycythemia. Last evaluated: 2025-06-18. Review status: criteria provided, single submitter. Criteria: Invitae Variant Classification Sherloc (09022015). Collection method: clinical testing. Allele origin: germline.
Comment: This sequence change replaces glutamic acid, which is acidic and polar, with lysine, which is basic and polar, at codon 51 of the VHL protein (p.Glu51Lys). The frequency data for this variant in the population databases is considered unreliable, as metrics indicate poor data quality at this position in the gnomAD database. This variant has not been reported in the literature in individuals affected with VHL-related conditions. ClinVar contains an entry for this variant (Variation ID: 661344). Invitae Evidence Modeling of protein sequence and biophysical properties (such as structural, functional, and spatial information, amino acid conservation, physicochemical variation, residue mobility, and thermodynamic stability) indicates that this missense variant is not expected to disrupt VHL protein function with a negative predictive value of 95%. In summary, the available evidence is currently insufficient to determine the role of this variant in disease. Therefore, it has been classified as a Variant of Uncertain Significance.

All of Us Research Program, National Institutes of Health
Classification: Uncertain significance for Von Hippel-Lindau syndrome. Last evaluated: 2023-12-18. Review status: criteria provided, single submitter. Criteria: ACMG Guidelines, 2015. Collection method: clinical testing. Allele origin: germline. Inheritance: Autosomal dominant inheritance. Observed: 1 variant allele, 1 heterozygote.
Comment: This missense variant replaces glutamic acid with lysine at codon 51 of the VHL protein. Computational prediction suggests that this variant may not impact protein structure and function (internally defined REVEL score threshold <= 0.5, PMID: 27666373). To our knowledge, functional studies have not been reported for this variant. This variant has not been reported in individuals affected with VHL-related disorders in the literature. This variant has not been identified in the general population by the Genome Aggregation Database (gnomAD). The available evidence is insufficient to determine the role of this variant in disease conclusively. Therefore, this variant is classified as a Variant of Uncertain Significance.

This study involves interpretation of variants in research participants for the purpose of population health screening. Participant phenotype was not available at the time of variant classification. Additional details can be found in publication PMID: 35346344, PMCID: PMC8962531

Color Diagnostics, LLC DBA Color Health
Classification: Uncertain significance for Von Hippel-Lindau syndrome. Last evaluated: 2023-11-22. Review status: criteria provided, single submitter. Criteria: ACMG Guidelines, 2015. Collection method: clinical testing. Allele origin: germline.
Comment: This missense variant replaces glutamic acid with lysine at codon 51 of the VHL protein. Computational prediction suggests that this variant may not impact protein structure and function. To our knowledge, functional studies have not been reported for this variant. This variant has not been reported in individuals affected with VHL-related disorders in the literature. This variant has not been identified in the general population by the Genome Aggregation Database (gnomAD). The available evidence is insufficient to determine the role of this variant in disease conclusively. Therefore, this variant is classified as a Variant of Uncertain Significance.

PreventionGenetics, part of Exact Sciences
Classification: Uncertain significance for VHL-related condition. Last evaluated: 2024-02-02. Review status: no assertion criteria provided. Collection method: clinical testing. Allele origin: germline. Not counted in ClinVar's aggregate classification.
Comment: The VHL c.151G>A variant is predicted to result in the amino acid substitution p.Glu51Lys. To our knowledge, this variant has not been reported in the literature. This variant is reported in 0.0013% of alleles in individuals of European (non-Finnish) descent in gnomAD and it has been classified as uncertain by other institutions in the ClinVar database. At this time, the clinical significance of this variant is uncertain due to the absence of conclusive functional and genetic evidence.